The following is an entry in ClinVar:

NM_001164665.2(KIAA1549):c.3316C>T (p.Arg1106Trp)

Gene: KIAA1549 (KIAA1549; minus strand). Cytogenetic location: 7q34.
Variant type: single nucleotide variant.
Coding change: c.3316C>T on transcript NM_001164665.2 (MANE Select); coding-DNA position 3316, C replaced by T.
Protein change: p.Arg1106Trp; replaces arginine 1106 with tryptophan.
Molecular consequence: missense variant.
Genome position (GRCh38, 1-based): chr7:138,907,063, G>A on the plus strand (C>T on the coding strand, the complement: KIAA1549 is on the minus strand). VCF-style: chr7-138907063-G-A. GRCh37 (hg19) VCF-style: chr7-138591809-G-A.
Other names: c.3316C>T, p.Arg1106Trp (NM_020910.3); c.3316C>T (NM_001164665.1); short protein forms R1106W.
Identifiers: ClinVar variation 1942683 (VCV001942683.4), dbSNP rs375006179, ClinGen allele CA4506246.

ClinVar aggregate classification (germline): Uncertain significance. Review status: criteria provided, multiple submitters, no conflicts (2 of 4 stars). 2 submissions from 2 submitters: Uncertain significance (2). Last evaluated 2025-12-09.

Conditions:
Inborn genetic diseases. Identifiers: MedGen C0950123, MeSH D030342.

Allele frequency attached by ClinVar (database versions not stated): gnomAD 0.00007; TOPMed 0.00006; gnomAD exomes 0.00002; ExAC 0.00003; ESP Exome Variant Server 0.00017.
gnomAD v4.1: 40 of 1,611,104 alleles (0.0025%); highest among the groups gnomAD compares: African/African-American, 0.027%; no homozygotes.

Submissions (2):

Ambry Genetics
Classification: Uncertain significance for Inborn genetic diseases. Last evaluated: 2025-12-09. Review status: criteria provided, single submitter. Criteria: Ambry Variant Classification Scheme 2023. Collection method: clinical testing. Allele origin: germline.

Labcorp Genetics (formerly Invitae), Labcorp
Classification: Uncertain significance. Last evaluated: 2023-07-21. Review status: criteria provided, single submitter. Criteria: Invitae Variant Classification Sherloc (09022015). Collection method: clinical testing. Allele origin: germline.
Comment: In summary, the available evidence is currently insufficient to determine the role of this variant in disease. Therefore, it has been classified as a Variant of Uncertain Significance. An algorithm developed to predict the effect of missense changes on protein structure and function (PolyPhen-2) suggests that this variant¬†is likely to be tolerated. ClinVar contains an entry for this variant (Variation ID: 1942683). This variant has not been reported in the literature in individuals affected with KIAA1549-related conditions. This variant is present in population databases (rs375006179, gnomAD 0.02%). This sequence change replaces arginine, which is basic and polar, with tryptophan, which is neutral and slightly polar, at codon 1106 of the KIAA1549 protein (p.Arg1106Trp).